The following is an entry in ClinVar:

ClinVar aggregate classification (germline): Benign. Review status: criteria provided, multiple submitters, no conflicts (2 of 4 stars). 4 submissions from 4 submitters: Benign (2). 2 of the submissions do not count toward it. Last evaluated 2026-01-26.

Conditions:
ANK3-related disorder. Also called: ANK3-related condition.

Allele frequency attached by ClinVar (database versions not stated): ExAC 0.00802; gnomAD 0.02170; TOPMed 0.02478; 1000 Genomes Project 30x 0.02374; 1000 Genomes Project 0.02396; ESP Exome Variant Server 0.02699.
gnomAD v4.1: 7,673 of 1,610,296 alleles (0.48%); highest among the groups gnomAD compares: African/African-American, 7.5%; 225 homozygotes.

Submissions (4):

Labcorp Genetics (formerly Invitae), Labcorp
Classification: Benign. Last evaluated: 2026-01-26. Review status: criteria provided, single submitter. Criteria: Invitae Variant Classification Sherloc (09022015). Collection method: clinical testing. Allele origin: germline.

Breakthrough Genomics
Classification: Benign. Review status: criteria provided, single submitter. Criteria: ACMG Guidelines, 2015. Collection method: not provided. Allele origin: germline. Inheritance: Autosomal recessive inheritance. Affected: yes.

PreventionGenetics, part of Exact Sciences
Classification: Benign for ANK3-related condition. Last evaluated: 2021-06-10. Review status: no assertion criteria provided. Collection method: clinical testing. Allele origin: germline. Not counted in ClinVar's aggregate classification.
Comment: This variant is classified as benign based on ACMG/AMP sequence variant interpretation guidelines (Richards et al. 2015 PMID: 25741868, with internal and published modifications).

Genetic Services Laboratory, University of Chicago
Classification: Likely benign for AllHighlyPenetrant. Review status: no assertion criteria provided. Collection method: clinical testing. Allele origin: germline. Inheritance: Autosomal recessive inheritance. Not counted in ClinVar's aggregate classification.
Comment: Likely benign based on allele frequency in 1000 Genomes Project or ESP global frequency and its presence in a patient with a rare or unrelated disease phenotype. NOT Sanger confirmed.

NM_020987.5(ANK3):c.1491+6C>T

Gene: ANK3 (ankyrin 3; minus strand). Cytogenetic location: 10q21.2.
Variant type: single nucleotide variant.
Coding change: c.1491+6C>T on transcript NM_020987.5 (MANE Select); 6 bases into the intron after coding-DNA position 1491, C replaced by T.
Molecular consequence: intron variant.
Genome position (GRCh38, 1-based): chr10:60,200,123, G>A on the plus strand (C>T on the coding strand, the complement: ANK3 is on the minus strand). VCF-style: chr10-60200123-G-A. GRCh37 (hg19) VCF-style: chr10-61959881-G-A.
Other names: c.1473+6C>T (NM_001204403.2); c.1440+6C>T (NM_001204404.2); c.1491+6C>T (NM_001320874.2).
Identifiers: ClinVar variation 128364 (VCV000128364.18), dbSNP rs76733192, ClinGen allele CA151777.